The following is an entry in ClinVar:

ClinVar aggregate classification (germline): Likely pathogenic (1 of 4 stars; one submission).

gnomAD v4.1: 1 of 1,613,370 alleles (0.000062%); highest among the groups gnomAD compares: South Asian, 0.0011%; no homozygotes.

Submission:

Labcorp Genetics (formerly Invitae), Labcorp
Classification: Likely pathogenic. Last evaluated: 2023-10-20. Review status: criteria provided, single submitter. Criteria: Invitae Variant Classification Sherloc (09022015). Collection method: clinical testing. Allele origin: germline.
Comment: This sequence change affects a donor splice site in intron 2 of the TSFM gene. It is expected to disrupt RNA splicing. Variants that disrupt the donor or acceptor splice site typically lead to a loss of protein function (PMID: 16199547), and loss-of-function variants in TSFM are known to be pathogenic (PMID: 17033963, 20435138, 25037205, 27677415). This variant is not present in population databases (gnomAD no frequency). This variant has not been reported in the literature in individuals affected with TSFM-related conditions. ClinVar contains an entry for this variant (Variation ID: 2021499). Algorithms developed to predict the effect of sequence changes on RNA splicing suggest that this variant may disrupt the consensus splice site. In summary, the currently available evidence indicates that the variant is pathogenic, but additional data are needed to prove that conclusively. Therefore, this variant has been classified as Likely Pathogenic.

Literature cited by the submitters: PubMed 16199547; PubMed 17033963; PubMed 20435138; PubMed 25037205; PubMed 27677415.

NM_005726.6(TSFM):c.231+1G>C

Gene: TSFM (Ts translation elongation factor, mitochondrial; plus strand). Cytogenetic location: 12q14.1.
Variant type: single nucleotide variant.
Coding change: c.231+1G>C on transcript NM_005726.6 (MANE Select); the canonical splice donor site of the intron after coding-DNA position 231, G replaced by C.
Molecular consequence: splice donor variant.
Genome position (GRCh38, 1-based): chr12:57,783,284, G>C. VCF-style: chr12-57783284-G-C. GRCh37 (hg19) VCF-style: chr12-58177067-G-C.
Other names: c.231+1G>C (NM_001172697.2, NM_001172696.2, NM_001172695.2).
Identifiers: ClinVar variation 2021499 (VCV002021499.4), dbSNP rs2540943285, ClinGen allele CA385524058.